The following is an entry in ClinVar:

ClinVar aggregate classification (germline): Pathogenic (1 of 4 stars; one submission).

Conditions:
Fabry disease. Also called: ALPHA-GALACTOSIDASE A DEFICIENCY; ANDERSON-FABRY DISEASE; CERAMIDE TRIHEXOSIDASE DEFICIENCY; GLA DEFICIENCY; HEREDITARY DYSTOPIC LIPIDOSIS; Angiokeratoma corporis diffusum. Identifiers: Orphanet 324, MedGen C0002986, MONDO:0010526, OMIM 301500, HP:0001071. Disease mechanism: Fabry disease is due to inactivating mutations in the X-linked GLA gene resulting in deficiency of the enzyme Alpha Galactosidase-A., loss of function.

Submission:

Genomenon, Inc
Classification: Pathogenic for Fabry disease. Last evaluated: 2026-09-08. Review status: criteria provided, single submitter. Criteria: Genomenon Sequence Variant Interpretation Standards - Updated. Collection method: curation. Allele origin: germline. Affected: yes.
Comment: GLA p.Trp399Ter (c.1196G>A) is a nonsense variant that introduces a premature stop codon at amino acid position 399 and is predicted to result in a truncated or absent protein product. This variant has been observed in at least one proband with clinical features consistent with Fabry disease (PMID:18205205;40760696;35971858;39609713;32813676). At least one functional study has demonstrated a substantial alteration in protein function relative to the wild-type (PMID:18205205;27657681). It is absent or not present at a significant frequency in gnomAD. In conclusion, we classify GLA p.Trp399Ter (c.1196G>A) as a pathogenic variant.

Literature cited by the submitters: PubMed 18205205; PubMed 40760696; PubMed 35971858; PubMed 39609713; PubMed 32813676; PubMed 27657681.

NM_000169.3(GLA):c.1196G>A (p.Trp399Ter)

Genes: GLA (galactosidase alpha; minus strand), RPL36A-HNRNPH2 (RPL36A-HNRNPH2 readthrough; plus strand). Cytogenetic location: Xq22.1.
Variant type: single nucleotide variant.
Coding change: c.1196G>A on transcript NM_000169.3 (MANE Select); coding-DNA position 1196, G replaced by A.
Protein change: p.Trp399Ter; replaces tryptophan 399 with a stop codon.
Molecular consequence: nonsense. On other transcripts: non-coding transcript variant (3), intron variant (2).
Genome position (GRCh38, 1-based): chrX:101,397,903, C>T on the plus strand (G>A on the coding strand, the complement: GLA is on the minus strand). VCF-style: chrX-101397903-C-T. GRCh37 (hg19) VCF-style: chrX-100652891-C-T.
Other names: c.1319G>A, p.Trp440Ter (NM_001406747.1); c.300+2446C>T (NM_001199973.2); c.177+6081C>T (NM_001199974.2); short protein forms W399*, W440*.
Identifiers: ClinVar variation 4087201 (VCV004087201.2), dbSNP rs782449839.